The following is an entry in ClinVar:

NM_001458.5(FLNC):c.4780G>A (p.Gly1594Arg)

Gene: FLNC (filamin C; plus strand). Cytogenetic location: 7q32.1.
Variant type: single nucleotide variant.
Coding change: c.4780G>A on transcript NM_001458.5 (MANE Select); coding-DNA position 4780, G replaced by A.
Protein change: p.Gly1594Arg; replaces glycine 1594 with arginine.
Molecular consequence: missense variant.
Genome position (GRCh38, 1-based): chr7:128,848,835, G>A. VCF-style: chr7-128848835-G-A. GRCh37 (hg19) VCF-style: chr7-128488889-G-A.
Other names: c.4780G>A, p.Gly1594Arg (NM_001127487.2); short protein forms G1594R.
Identifiers: ClinVar variation 5021955 (VCV005021955.1).

ClinVar aggregate classification (germline): Uncertain significance (1 of 4 stars; one submission).

Conditions:
Cardiovascular phenotype. Identifiers: MedGen CN230736.

gnomAD v4.1: 2 of 1,614,176 alleles (0.00012%); highest among the groups gnomAD compares: Non-Finnish European, 0.00017%; no homozygotes.

Submission:

Ambry Genetics
Classification: Uncertain significance for Cardiovascular phenotype. Last evaluated: 2026-07-28. Review status: criteria provided, single submitter. Criteria: Ambry Variant Classification Scheme 2023. Collection method: clinical testing. Allele origin: germline.
Comment: The p.G1594R variant (also known as c.4780G>A), located in coding exon 28 of the FLNC gene, results from a G to A substitution at nucleotide position 4780. The glycine at codon 1594 is replaced by arginine, an amino acid with dissimilar properties. This amino acid position is conserved. In addition, this alteration is predicted to be tolerated by in silico analysis. Based on the available evidence, the clinical significance of this variant remains unclear.